The following is an entry in ClinVar:

NM_000303.3(PMM2):c.496G>A (p.Ala166Thr)

Gene: PMM2 (phosphomannomutase 2; plus strand). Cytogenetic location: 16p13.2.
Variant type: single nucleotide variant.
Coding change: c.496G>A on transcript NM_000303.3 (MANE Select); coding-DNA position 496, G replaced by A.
Protein change: p.Ala166Thr; replaces alanine 166 with threonine.
Molecular consequence: missense variant.
Genome position (GRCh38, 1-based): chr16:8,811,686, G>A. VCF-style: chr16-8811686-G-A. GRCh37 (hg19) VCF-style: chr16-8905543-G-A.
Other names: short protein forms A166T.
Identifiers: ClinVar variation 3215838 (VCV003215838.3), dbSNP rs2549147312, ClinGen allele CA394697060.
Genomic context (GRCh38, chr16:8,811,686, plus strand): 5'-TGTTTTTCTCAGAAAGAAAATATAAGACAAAAGTTTGTAGCAGATCTACGGAAAGAGTTT[G>A]CTGGAAAAGGCCTCACGTTTTCCATAGGTATTGTATATATTGCCTGTGTTCCAAACTTGG-3'
Protein context (NP_000294.1, residues 156-176): KFVADLRKEF[Ala166Thr]GKGLTFSIGG

ClinVar aggregate classification (germline): Uncertain significance. Review status: criteria provided, multiple submitters, no conflicts (2 of 4 stars). 2 submissions from 2 submitters: Uncertain significance (2). Last evaluated 2024-02-05.

Conditions:
PMM2-congenital disorder of glycosylation. Also called: CDG Ia; JAEKEN SYNDROME; PHOSPHOMANNOMUTASE 2 DEFICIENCY; CARBOHYDRATE-DEFICIENT GLYCOPROTEIN SYNDROME, TYPE Ia; PMM2-CDG; Congenital disorder of glycosylation, type Ia. Identifiers: Orphanet 79318, MedGen C0349653, MONDO:0008907, OMIM 212065.
Inborn genetic diseases. Identifiers: MedGen C0950123, MeSH D030342.

Submissions (2):

Ambry Genetics
Classification: Uncertain significance for Inborn genetic diseases. Last evaluated: 2024-02-05. Review status: criteria provided, single submitter. Criteria: Ambry Variant Classification Scheme 2023. Collection method: clinical testing. Allele origin: germline.

Juno Genomics, Hangzhou Juno Genomics, Inc
Classification: Uncertain significance for PMM2-congenital disorder of glycosylation. Review status: criteria provided, single submitter. Criteria: ACMG Guidelines, 2015. Collection method: clinical testing. Allele origin: germline.
Comment: Absent from controls (or at extremely low frequency if recessive) in Genome Aggregation Database.;Multiple lines of computational evidence support a deleterious effect on the gene or gene product.